The following is an entry in ClinVar:

ClinVar aggregate classification (germline): Uncertain significance. Review status: criteria provided, multiple submitters, no conflicts (2 of 4 stars). 2 submissions from 2 submitters: Uncertain significance (2). Last evaluated 2025-08-26.

Conditions:
5-Oxoprolinase deficiency (OPLAHD). Also called: 5-OXOPROLINURIA DUE TO 5-OXOPROLINASE DEFICIENCY. Identifiers: Orphanet 33572, MedGen C0268525, MONDO:0009825, OMIM 260005, HP:0040142.

Allele frequency attached by ClinVar (database versions not stated): 1000 Genomes Project 0.00020; ExAC 0.00005; gnomAD 0.00009; TOPMed 0.00006; ESP Exome Variant Server 0.00008; 1000 Genomes Project 30x 0.00016.
gnomAD v4.1: 81 of 1,597,040 alleles (0.0051%); highest among the groups gnomAD compares: African/African-American, 0.015%; no homozygotes.

Submissions (2):

Ambry Genetics
Classification: Uncertain significance. Last evaluated: 2025-08-26. Review status: criteria provided, single submitter. Criteria: Ambry Variant Classification Scheme 2023. Collection method: clinical testing. Allele origin: germline.

Labcorp Genetics (formerly Invitae), Labcorp
Classification: Uncertain significance for 5-Oxoprolinase deficiency. Last evaluated: 2022-06-17. Review status: criteria provided, single submitter. Criteria: Invitae Variant Classification Sherloc (09022015). Collection method: clinical testing. Allele origin: germline.
Comment: This variant has not been reported in the literature in individuals affected with OPLAH-related conditions. Algorithms developed to predict the effect of missense changes on protein structure and function are either unavailable or do not agree on the potential impact of this missense change (SIFT: "Not Available"; PolyPhen-2: "Benign"; Align-GVGD: "Not Available"). In summary, the available evidence is currently insufficient to determine the role of this variant in disease. Therefore, it has been classified as a Variant of Uncertain Significance. This sequence change replaces arginine, which is basic and polar, with histidine, which is basic and polar, at codon 459 of the OPLAH protein (p.Arg459His). This variant is present in population databases (rs368656620, gnomAD 0.01%).

NM_017570.5(OPLAH):c.1376G>A (p.Arg459His)

Gene: OPLAH (5-oxoprolinase, ATP-hydrolysing; minus strand). Cytogenetic location: 8q24.3.
Variant type: single nucleotide variant.
Coding change: c.1376G>A on transcript NM_017570.5 (MANE Select); coding-DNA position 1376, G replaced by A.
Protein change: p.Arg459His; replaces arginine 459 with histidine.
Molecular consequence: missense variant.
Genome position (GRCh38, 1-based): chr8:144,057,494, C>T on the plus strand (G>A on the coding strand, the complement: OPLAH is on the minus strand). VCF-style: chr8-144057494-C-T. GRCh37 (hg19) VCF-style: chr8-145112397-C-T.
Other names: c.1376G>A (NM_017570.3); short protein forms R459H.
Identifiers: ClinVar variation 2041824 (VCV002041824.7), dbSNP rs368656620, ClinGen allele CA4931898.
Genomic context (GRCh38, chr8:144,057,494, plus strand): 5'-AGAGGTGGACGTACCTGCGTGAGTGCACGGATGGGCCGGCACATGGCCTCGTTGGCCACG[C>T]GCACGAACCCCATGGCCACCTCCTCCAGGCTCAGCGGGGAGGCCGGGCAGGGCCCGTTGG-3'
Protein context (NP_060040.1, residues 449-469): SLEEVAMGFV[Arg459His]VANEAMCRPI